The following is an entry in ClinVar:

NM_002608.4(PDGFB):c.71C>A (p.Pro24His)

Gene: PDGFB (platelet derived growth factor subunit B; minus strand). Cytogenetic location: 22q13.1.
Variant type: single nucleotide variant.
Coding change: c.71C>A on transcript NM_002608.4 (MANE Select); coding-DNA position 71, C replaced by A.
Protein change: p.Pro24His; replaces proline 24 with histidine.
Molecular consequence: missense variant.
Genome position (GRCh38, 1-based): chr22:39,235,867, G>T on the plus strand (C>A on the coding strand, the complement: PDGFB is on the minus strand). VCF-style: chr22-39235867-G-T. GRCh37 (hg19) VCF-style: chr22-39631872-G-T.
Other names: c.26C>A, p.Pro9His (NM_033016.3); short protein forms P9H, P24H.
Identifiers: ClinVar variation 1029462 (VCV001029462.1), dbSNP rs1242118984, ClinGen allele CA411603151.

ClinVar aggregate classification (germline): Uncertain significance (1 of 4 stars; one submission).

Conditions:
Basal ganglia calcification, idiopathic, 5. Also called: PRIMARY FAMILIAL BRAIN CALCIFICATION 5, AUTOSOMAL DOMINANT. Identifiers: Orphanet 1980, MedGen C3809645, MONDO:0014204, OMIM 615483.

Allele frequency attached by ClinVar (database versions not stated): TOPMed below 0.00001.

Submission:

Baylor Genetics
Classification: Uncertain significance for Basal ganglia calcification, idiopathic, 5. Last evaluated: 2019-01-24. Review status: criteria provided, single submitter. Criteria: ACMG Guidelines, 2015. Collection method: clinical testing. Allele origin: unknown. Affected: yes.
Comment: This variant was determined to be of uncertain significance according to ACMG Guidelines, 2015 [PMID:25741868].